The following is an entry in ClinVar:

NC_000018.9:g.(?_56338876)_(56339104_?)del

Gene: MALT1 (MALT1 paracaspase; plus strand). Cytogenetic location: 18q21.32.
Variant type: Deletion.
Identifiers: ClinVar variation 1459602 (VCV001459602.4).

ClinVar aggregate classification (germline): Pathogenic (1 of 4 stars; one submission).

Conditions:
Combined immunodeficiency due to MALT1 deficiency. Also called: Immunodeficiency 12. Identifiers: Orphanet 397964, MedGen C3809583, MONDO:0014197, OMIM 615468.

Submission:

Labcorp Genetics (formerly Invitae), Labcorp
Classification: Pathogenic for Combined immunodeficiency due to MALT1 deficiency. Last evaluated: 2021-09-27. Review status: criteria provided, single submitter. Criteria: Invitae Variant Classification Sherloc (09022015). Collection method: clinical testing. Allele origin: germline.
Comment: For these reasons, this variant has been classified as Pathogenic. This variant has not been reported in the literature in individuals affected with MALT1-related conditions. This variant is a gross deletion of the genomic region encompassing exon(s) 1 of the MALT1 gene, which includes the initiator codon. This deletion extends beyond the assayed region for this gene and therefore may encompass additional genes. It is expected to result in an absent or disrupted protein product. Loss-of-function variants in MALT1 are known to be pathogenic (PMID: 23727036, 25627829).

Literature cited by the submitters: PubMed 23727036; PubMed 25627829.